The following is an entry in ClinVar:

NM_005902.4(SMAD3):c.933C>T (p.Ser311=)

Gene: SMAD3 (SMAD family member 3; plus strand). Cytogenetic location: 15q22.33.
Variant type: single nucleotide variant.
Coding change: c.933C>T on transcript NM_005902.4 (MANE Select); coding-DNA position 933, C replaced by T.
Protein change: p.Ser311=; no amino-acid change (serine 311 retained).
Molecular consequence: synonymous variant.
Genome position (GRCh38, 1-based): chr15:67,184,788, C>T. VCF-style: chr15-67184788-C-T. GRCh37 (hg19) VCF-style: chr15-67477126-C-T.
Other names: c.618C>T, p.Ser206= (NM_001145102.2); c.801C>T, p.Ser267= (NM_001145103.2); c.348C>T, p.Ser116= (NM_001145104.2).
Identifiers: ClinVar variation 516248 (VCV000516248.44), dbSNP rs771384141, ClinGen allele CA062858.

ClinVar aggregate classification (germline): Likely benign. Review status: criteria provided, multiple submitters, no conflicts (2 of 4 stars). 9 submissions from 9 submitters: Likely benign (8). 1 of the submissions does not count toward it. Last evaluated 2025-12-08.

Conditions:
Familial thoracic aortic aneurysm and aortic dissection (TAAD). Also called: Thoracic aortic aneurysms and dissections. Identifiers: Orphanet 91387, MedGen C4707243, MONDO:0019625.
SMAD3-related disorder. Also called: SMAD3-related condition.
Aneurysm-osteoarthritis syndrome. Also called: SMAD3-Related Loeys-Dietz Syndrome; Loeys-Dietz syndrome, type 1C; ANEURYSMS-OSTEOARTHRITIS SYNDROME; LOEYS-DIETZ SYNDROME WITH OSTEOARTHRITIS. Identifiers: Orphanet 284984, MedGen C3151087, MONDO:0013426, OMIM 613795.

Allele frequency attached by ClinVar (database versions not stated): ExAC 0.00002; gnomAD exomes 0.00002 and 0.00008; gnomAD 0.00007 and 0.00008; TOPMed 0.00010.
gnomAD v4.1: 123 of 1,613,810 alleles (0.0076%); highest among the groups gnomAD compares: Non-Finnish European, 0.01%; no homozygotes.

Submissions (9):

Labcorp Genetics (formerly Invitae), Labcorp
Classification: Likely benign for Familial thoracic aortic aneurysm and aortic dissection. Last evaluated: 2025-12-08. Review status: criteria provided, single submitter. Criteria: Invitae Variant Classification Sherloc (09022015). Collection method: clinical testing. Allele origin: germline.

CeGaT Center for Human Genetics Tuebingen
Classification: Likely benign. Last evaluated: 2025-05-01. Review status: criteria provided, single submitter. Criteria: CeGaT Center For Human Genetics Tuebingen Variant Classification Criteria Version 2. Collection method: clinical testing. Allele origin: germline. Affected: yes. Observed: 3 variant alleles.
Comment: SMAD3: BP4, BP7

Women's Health and Genetics/Laboratory Corporation of America, LabCorp
Classification: Likely benign. Last evaluated: 2024-07-28. Review status: criteria provided, single submitter. Criteria: LabCorp Variant Classification Summary - May 2015. Collection method: clinical testing. Allele origin: germline.

All of Us Research Program, National Institutes of Health
Classification: Likely benign for Aneurysm-osteoarthritis syndrome. Last evaluated: 2023-12-13. Review status: criteria provided, single submitter. Criteria: ACMG Guidelines, 2015. Collection method: clinical testing. Allele origin: germline. Inheritance: Autosomal dominant inheritance. Observed: 18 variant alleles, 18 heterozygotes.
Comment: This study involves interpretation of variants in research participants for the purpose of population health screening. Participant phenotype was not available at the time of variant classification. Additional details can be found in publication PMID: 35346344, PMCID: PMC8962531

Blueprint Genetics
Classification: Likely benign. Last evaluated: 2022-12-19. Review status: criteria provided, single submitter. Criteria: ACMG Guidelines, 2015. Collection method: clinical testing. Allele origin: germline.

Ambry Genetics
Classification: Likely benign for Familial thoracic aortic aneurysm and aortic dissection. Last evaluated: 2020-11-04. Review status: criteria provided, single submitter. Criteria: Ambry Variant Classification Scheme 2023. Collection method: clinical testing. Allele origin: germline.

Color Diagnostics, LLC DBA Color Health
Classification: Likely benign for Familial thoracic aortic aneurysm and aortic dissection. Last evaluated: 2018-10-30. Review status: criteria provided, single submitter. Criteria: ACMG Guidelines, 2015. Collection method: clinical testing. Allele origin: germline.

GeneDx
Classification: Likely benign. Last evaluated: 2017-02-07. Review status: criteria provided, single submitter. Criteria: GeneDx Variant Classification (06012015). Collection method: clinical testing. Allele origin: germline. Affected: yes.
Comment: This variant is considered likely benign or benign based on one or more of the following criteria: it is a conservative change, it occurs at a poorly conserved position in the protein, it is predicted to be benign by multiple in silico algorithms, and/or has population frequency not consistent with disease.

PreventionGenetics, part of Exact Sciences
Classification: Likely benign for SMAD3-related condition. Last evaluated: 2023-03-08. Review status: no assertion criteria provided. Collection method: clinical testing. Allele origin: germline. Not counted in ClinVar's aggregate classification.
Comment: This variant is classified as likely benign based on ACMG/AMP sequence variant interpretation guidelines (Richards et al. 2015 PMID: 25741868, with internal and published modifications).